The following is an entry in ClinVar:

NM_033026.6(PCLO):c.8993A>G (p.Asn2998Ser)

Gene: PCLO (piccolo presynaptic cytomatrix protein; minus strand). Cytogenetic location: 7q21.11.
Variant type: single nucleotide variant.
Coding change: c.8993A>G on transcript NM_033026.6 (MANE Select); coding-DNA position 8993, A replaced by G.
Protein change: p.Asn2998Ser; replaces asparagine 2998 with serine.
Molecular consequence: missense variant.
Genome position (GRCh38, 1-based): chr7:82,951,960, T>C on the plus strand (A>G on the coding strand, the complement: PCLO is on the minus strand). VCF-style: chr7-82951960-T-C. GRCh37 (hg19) VCF-style: chr7-82581276-T-C.
Other names: c.8993A>G, p.Asn2998Ser (NM_014510.3); c.8993A>G (NM_033026.5); short protein forms N2998S.
Identifiers: ClinVar variation 1494167 (VCV001494167.6), dbSNP rs765195505, ClinGen allele CA4320021.

ClinVar aggregate classification (germline): Uncertain significance. Review status: criteria provided, multiple submitters, no conflicts (2 of 4 stars). 2 submissions from 2 submitters: Uncertain significance (2). Last evaluated 2023-11-13.

Conditions:
Inborn genetic diseases. Identifiers: MedGen C0950123, MeSH D030342.

Allele frequency attached by ClinVar (database versions not stated): ExAC 0.00002; gnomAD exomes 0.00002 and 0.00004; gnomAD 0.00006; TOPMed 0.00012.
gnomAD v4.1: 48 of 1,613,790 alleles (0.003%); highest among the groups gnomAD compares: Middle Eastern, 0.016%; no homozygotes.

Submissions (2):

Ambry Genetics
Classification: Uncertain significance for Inborn genetic diseases. Last evaluated: 2023-11-13. Review status: criteria provided, single submitter. Criteria: Ambry Variant Classification Scheme 2023. Collection method: clinical testing. Allele origin: germline.

Labcorp Genetics (formerly Invitae), Labcorp
Classification: Uncertain significance. Last evaluated: 2022-08-18. Review status: criteria provided, single submitter. Criteria: Invitae Variant Classification Sherloc (09022015). Collection method: clinical testing. Allele origin: germline.
Comment: This sequence change replaces asparagine, which is neutral and polar, with serine, which is neutral and polar, at codon 2998 of the PCLO protein (p.Asn2998Ser). This variant is present in population databases (rs765195505, gnomAD 0.005%). This variant has not been reported in the literature in individuals affected with PCLO-related conditions. ClinVar contains an entry for this variant (Variation ID: 1494167). Algorithms developed to predict the effect of missense changes on protein structure and function are either unavailable or do not agree on the potential impact of this missense change (SIFT: "Deleterious"; PolyPhen-2: "Not Available"; Align-GVGD: "Class C0"). Algorithms developed to predict the effect of sequence changes on RNA splicing suggest that this variant may create or strengthen a splice site. In summary, the available evidence is currently insufficient to determine the role of this variant in disease. Therefore, it has been classified as a Variant of Uncertain Significance.